The following is an entry in ClinVar:

ClinVar aggregate classification (germline): Uncertain significance (1 of 4 stars; one submission).

Submission:

GeneDx
Classification: Uncertain significance. Last evaluated: 2022-09-27. Review status: criteria provided, single submitter. Criteria: GeneDx Variant Classification Process June 2021. Collection method: clinical testing. Allele origin: germline. Affected: yes.
Comment: Reported as an apparently homozygous finding in a patient with the blood group antigen Lan negative blood type (Helias et al., 2012); Frameshift variant predicted to result in protein truncation or nonsense mediated decay in a gene or region of a gene for which loss of function is not a well-established mechanism of disease; This variant is associated with the following publications: (PMID: 22246506)

NM_005689.4(ABCB6):c.1533_1543dup (p.Leu515fs)

Gene: ABCB6 (ATP binding cassette subfamily B member 6 (LAN blood group); minus strand). Cytogenetic location: 2q35.
Variant type: Duplication.
Coding change: c.1533_1543dup on transcript NM_005689.4 (MANE Select); coding-DNA positions 1533 to 1543, 11 bases duplicated (CGGCTCCCTGC).
Protein change: p.Leu515fs; shifts the reading frame from leucine 515.
Molecular consequence: frameshift variant.
Genome position (GRCh38, 1-based): chr2:219,213,861-219,213,871, GCAGGGAGCCG duplicated on the plus strand (CGGCTCCCTGC on the coding strand, the reverse complement: ABCB6 is on the minus strand); duplicating any 11 consecutive bases within chr2:219,213,861-219,213,873 gives the same sequence; the c. name uses the placement nearest the transcript's 3' end. VCF-style (leftmost placement, unchanged base first): chr2-219213860-A-AGCAGGGAGCCG. GRCh37 (hg19) VCF-style: chr2-220078582-A-AGCAGGGAGCCG.
Other names: c.1395_1405dup, p.Leu469fs (NM_001349828.2); short protein forms L469fs, L515fs.
Identifiers: ClinVar variation 2446345 (VCV002446345.1), dbSNP rs772078524, ClinGen allele CA2119349.